The following is an entry in ClinVar:

NM_152703.5(SAMD9L):c.944T>G (p.Ile315Arg)

Gene: SAMD9L (sterile alpha motif domain containing 9 like; minus strand). Cytogenetic location: 7q21.2.
Variant type: single nucleotide variant.
Coding change: c.944T>G on transcript NM_152703.5 (MANE Select); coding-DNA position 944, T replaced by G.
Protein change: p.Ile315Arg; replaces isoleucine 315 with arginine.
Molecular consequence: missense variant.
Genome position (GRCh38, 1-based): chr7:93,135,028, A>C on the plus strand (T>G on the coding strand, the complement: SAMD9L is on the minus strand). VCF-style: chr7-93135028-A-C. GRCh37 (hg19) VCF-style: chr7-92764341-A-C.
Other names: c.944T>G (NM_152703.2); c.944T>G, p.Ile315Arg (NM_001303496.3, NM_001303497.3, NM_001303498.3 and 5 more transcripts); short protein forms I315R.
Identifiers: ClinVar variation 1406139 (VCV001406139.10), dbSNP rs773383426, ClinGen allele CA4343789.

ClinVar aggregate classification (germline): Uncertain significance. Review status: criteria provided, multiple submitters, no conflicts (2 of 4 stars). 3 submissions from 3 submitters: Uncertain significance (3). Last evaluated 2025-09-13.

Conditions:
Ataxia-pancytopenia syndrome (ATXPC). Also called: SAMD9L-Related Syndrome; SAMD9L Ataxia-Pancytopenia Syndrome. Identifiers: Orphanet 2585, MedGen C1327919, MONDO:0008038, OMIM 159550.
Monosomy 7 myelodysplasia and leukemia syndrome 1. Also called: Familial Mosaic Monosomy 7 Syndrome; CHROMOSOME 7q DELETION; Monosomy 7 of bone marrow. Identifiers: MedGen C1854978, MONDO:0009646, OMIM 252270.
Spinocerebellar ataxia 49 (SCA49). Identifiers: Orphanet 631106, MedGen C5676950, MONDO:0030805, OMIM 619806.
Inborn genetic diseases. Identifiers: MedGen C0950123, MeSH D030342.

Allele frequency attached by ClinVar (database versions not stated): gnomAD 0.00001 and 0.00002; gnomAD exomes 0.00001 and 0.00003; ExAC 0.00002; TOPMed 0.00005.

Submissions (3):

Labcorp Genetics (formerly Invitae), Labcorp
Classification: Uncertain significance. Last evaluated: 2025-09-13. Review status: criteria provided, single submitter. Criteria: Invitae Variant Classification Sherloc (09022015). Collection method: clinical testing. Allele origin: germline.
Comment: This sequence change replaces isoleucine, which is neutral and non-polar, with arginine, which is basic and polar, at codon 315 of the SAMD9L protein (p.Ile315Arg). The frequency data for this variant in the population databases is considered unreliable, as metrics indicate poor data quality at this position in the gnomAD database. This variant has not been reported in the literature in individuals affected with SAMD9L-related conditions. ClinVar contains an entry for this variant (Variation ID: 1406139). An algorithm developed to predict the effect of missense changes on protein structure and function (PolyPhen-2) suggests that this variant is likely to be disruptive. In summary, the available evidence is currently insufficient to determine the role of this variant in disease. Therefore, it has been classified as a Variant of Uncertain Significance.

Ambry Genetics
Classification: Uncertain significance for Inborn genetic diseases. Last evaluated: 2024-12-28. Review status: criteria provided, single submitter. Criteria: Ambry Variant Classification Scheme 2023. Collection method: clinical testing. Allele origin: germline.
Comment: The p.I315R variant (also known as c.944T>G), located in coding exon 1 of the SAMD9L gene, results from a T to G substitution at nucleotide position 944. The isoleucine at codon 315 is replaced by arginine, an amino acid with similar properties. This amino acid position is conserved. In addition, this alteration is predicted to be tolerated by in silico analysis. Based on the available evidence, the clinical significance of this variant remains unclear.

Fulgent Genetics
Classification: Uncertain significance for Ataxia-pancytopenia syndrome; Monosomy 7 myelodysplasia and leukemia syndrome 1; Spinocerebellar ataxia 49. Last evaluated: 2024-02-02. Review status: criteria provided, single submitter. Criteria: ACMG Guidelines, 2015. Collection method: clinical testing. Allele origin: germline.